The following is an entry in ClinVar:

NM_006030.4(CACNA2D2):c.2920_2921del (p.Leu974fs)

Genes: CACNA2D2 (calcium voltage-gated channel auxiliary subunit alpha2delta 2; minus strand), LOC101928965 (uncharacterized LOC101928965; plus strand), LOC127898564 (CYB561D2-LOC101928965; plus strand). Cytogenetic location: 3p21.31.
Variant type: Deletion.
Coding change: c.2920_2921del on transcript NM_006030.4 (MANE Select); coding-DNA positions 2920 to 2921, 2 bases deleted (CT; older notation c.2920_2921delCT).
Protein change: p.Leu974fs; shifts the reading frame from leucine 974.
Molecular consequence: frameshift variant. On other transcripts: non-coding transcript variant (2).
Genome position (GRCh38, 1-based): chr3:50,365,683-50,365,684, AG deleted on the plus strand (CT on the coding strand, the reverse complement: CACNA2D2 is on the minus strand). VCF-style (leftmost placement, unchanged base first): chr3-50365682-CAG-C. GRCh37 (hg19) VCF-style: chr3-50403113-CAG-C.
Other names: c.2920_2921del, p.Leu974fs (NM_001005505.3); c.2941_2942del, p.Leu981fs (NM_001174051.3); c.2713_2714del, p.Leu905fs (NM_001291101.1); short protein forms L981fs, L974fs, L905fs.
Identifiers: ClinVar variation 1369986 (VCV001369986.7), dbSNP rs2109400528, ClinGen allele CA2573137220.

ClinVar aggregate classification (germline): Pathogenic (1 of 4 stars; one submission).

Conditions:
Early-infantile DEE. Also called: Early infantile epileptic encephalopathy with suppression bursts; Early infantile epileptic encephalopathy; Ohtahara syndrome. Identifiers: Orphanet 1934, MedGen C0393706, MONDO:0800491.

Submission:

Labcorp Genetics (formerly Invitae), Labcorp
Classification: Pathogenic for Early-infantile DEE. Last evaluated: 2022-07-18. Review status: criteria provided, single submitter. Criteria: Invitae Variant Classification Sherloc (09022015). Collection method: clinical testing. Allele origin: germline.
Comment: This sequence change creates a premature translational stop signal (p.Leu974Valfs*103) in the CACNA2D2 gene. It is expected to result in an absent or disrupted protein product. Loss-of-function variants in CACNA2D2 are known to be pathogenic (PMID: 24358150). This variant is not present in population databases (gnomAD no frequency). Algorithms developed to predict the effect of sequence changes on RNA splicing suggest that this variant may create or strengthen a splice site. ClinVar contains an entry for this variant (Variation ID: 1369986). This variant has not been reported in the literature in individuals affected with CACNA2D2-related conditions. For these reasons, this variant has been classified as Pathogenic.

Literature cited by the submitters: PubMed 24358150.